The following is an entry in ClinVar:

ClinVar aggregate classification (germline): Pathogenic. Review status: criteria provided, multiple submitters, no conflicts (2 of 4 stars). 2 submissions from 2 submitters: Pathogenic (2). Last evaluated 2025-07-20.

Conditions:
Familial aortopathy. Identifiers: MedGen CN078214.

Submissions (2):

Labcorp Genetics (formerly Invitae), Labcorp
Classification: Pathogenic. Last evaluated: 2025-07-20. Review status: criteria provided, single submitter. Criteria: Invitae Variant Classification Sherloc (09022015). Collection method: clinical testing. Allele origin: germline.
Comment: This sequence change creates a premature translational stop signal (p.Trp124*) in the LOX gene. It is expected to result in an absent or disrupted protein product. Loss-of-function variants in LOX are known to be pathogenic (PMID: 12417550, 26838787, 27432961). This variant is not present in population databases (gnomAD no frequency). This variant has not been reported in the literature in individuals affected with LOX-related conditions. ClinVar contains an entry for this variant (Variation ID: 3907475). For these reasons, this variant has been classified as Pathogenic.

Women's Health and Genetics/Laboratory Corporation of America, LabCorp
Classification: Pathogenic for Familial aortopathy. Last evaluated: 2025-06-02. Review status: criteria provided, single submitter. Criteria: LabCorp Variant Classification Summary - May 2015. Collection method: clinical testing. Allele origin: germline.
Comment: Variant summary: LOX c.372G>A (p.Trp124X) results in a premature termination codon, predicted to cause a truncation of the encoded protein or absence of the protein due to nonsense mediated decay, which are commonly known mechanisms for disease. The frequency data for this variant in gnomAD is considered unreliable, as metrics indicate poor data quality at this position. To our knowledge, no occurrence of c.372G>A in individuals affected with Aortopathy and no experimental evidence demonstrating its impact on protein function have been reported. No submitters have cited clinical-significance assessments for this variant to ClinVar. Based on the evidence outlined above, the variant was classified as pathogenic.

Literature cited by the submitters: PubMed 12417550 (cited by Labcorp Genetics (formerly Invitae), Labcorp); PubMed 26838787 (cited by Labcorp Genetics (formerly Invitae), Labcorp); PubMed 27432961 (cited by Labcorp Genetics (formerly Invitae), Labcorp).

NM_002317.7(LOX):c.372G>A (p.Trp124Ter)

Genes: LOX (lysyl oxidase; minus strand), SRFBP1 (serum response factor binding protein 1; plus strand). Cytogenetic location: 5q23.1.
Variant type: single nucleotide variant.
Coding change: c.372G>A on transcript NM_002317.7 (MANE Select); coding-DNA position 372, G replaced by A.
Protein change: p.Trp124Ter; replaces tryptophan 124 with a stop codon.
Molecular consequence: nonsense.
Genome position (GRCh38, 1-based): chr5:122,077,614, C>T on the plus strand (G>A on the coding strand, the complement: LOX is on the minus strand). VCF-style: chr5-122077614-C-T. GRCh37 (hg19) VCF-style: chr5-121413309-C-T.
Other names: short protein forms W124*.
Identifiers: ClinVar variation 3907475 (VCV003907475.2).
Genomic context (GRCh38, chr5:122,077,614, plus strand): 5'-GTTCTCCGCGCGCGAGGCGCCAGCTTCGCGGGCTCTAGATGTCGAGTAGCCAGCTTGGAA[C>T]CAGTGACGGGCGGTGGGCCTGGGGCGGCCAGCGGTGACTCCAGATGAGCCGGCCGTCCGC-3'